The following is an entry in ClinVar:

ClinVar aggregate classification (germline): Conflicting classifications of pathogenicity. Review status: criteria provided, conflicting classifications (1 of 4 stars). 19 submissions from 17 submitters: Uncertain significance (15); Likely benign (2). 2 of the submissions do not count toward it. Last evaluated 2026-10-01.

Conditions:
RAD51C-related disorder. Also called: RAD51C-related condition; RAD51C-related disorders.
Hereditary cancer-predisposing syndrome. Also called: Hereditary neoplastic syndrome; Tumor predisposition; Neoplastic Syndromes, Hereditary; Hereditary Cancer Syndrome. Identifiers: Orphanet 140162, MedGen C0027672, MeSH D009386, MONDO:0015356.
Fanconi anemia complementation group O. Also called: RAD51C-Related Fanconi Anemia. Identifiers: Orphanet 84, MedGen C3150653, MONDO:0013248, OMIM 613390.
Breast-ovarian cancer, familial, susceptibility to, 3. Also called: RAD51C-Related Breast/Ovarian Cancer. Identifiers: Orphanet 145, MedGen C3150659, MONDO:0013253, OMIM 613399.

Allele frequency attached by ClinVar (database versions not stated): gnomAD exomes 0.00001 and 0.00004; ExAC 0.00003; gnomAD 0.00006 and 0.00007; TOPMed 0.00008; 1000 Genomes Project 30x 0.00016; 1000 Genomes Project 0.00020.
gnomAD v4.1: 32 of 1,614,210 alleles (0.002%); highest among the groups gnomAD compares: Admixed American, 0.04%; no homozygotes.

Submissions 1 to 8 of 19:

St. Jude Molecular Pathology, St. Jude Children's Research Hospital
Classification: Uncertain significance for Breast-ovarian cancer, familial, susceptibility to, 3. Last evaluated: 2026-10-01. Review status: criteria provided, single submitter. Criteria: St. Jude Assertion Criteria 2020. Collection method: clinical testing. Allele origin: germline.
Comment: The RAD51C c.492T>G p.(Phe164Leu) missense change has a maximum subpopulation frequency of 0.03% in gnomAD v2.1.1. The in silico tool REVEL is inconclusive about a pathogenic or benign effect of this variant on protein function, and to our knowledge functional studies have not been performed. To our knowledge, this variant has not been rep orted as pathogenic in individuals with RAD51C- associated conditions. In summary, the evidence currently available is insufficient to determine the clinical significance of this variant. It has therefore been classified as of uncertain significance.

PreventionGenetics, part of Exact Sciences
Classification: Uncertain significance for RAD51C-related condition. Last evaluated: 2026-06-29. Review status: criteria provided, single submitter. Criteria: ACMG Guidelines, 2015. Collection method: clinical testing. Allele origin: germline.
Comment: The RAD51C c.492T>G variant is predicted to result in the amino acid substitution p.Phe164Leu. This variant has been reported in individuals with breast and/or ovarian cancer, and in an individual with colorectal cancer (Cock-Rada et al. 2018. PubMed ID: 28528518; Table S2, Martin-Morales et al. 2018. PubMed ID: 30256826; Table S3, Weitzel et al. 2019. PubMed ID: 31206626; Table S1, Oliver et al. 2019. PubMed ID: 31921681). It has also been reported in 2 control individuals from a breast cancer cohort study (Table S3, Weitzel et al. 2019. PubMed ID: 31206626). This variant is reported in 0.026% of alleles in individuals of Latino descent in gnomAD and has conflicting interpretations regarding its pathogenicity in ClinVar, ranging from uncertain to likely benign (Variation ID: 188317). At this time, the clinical significance of this variant is uncertain due to the absence of conclusive functional and genetic evidence.

OLLIN Analises Genomicas, OLLIN
Classification: Uncertain significance for Breast-ovarian cancer, familial, susceptibility to, 3. Last evaluated: 2026-02-13. Review status: criteria provided, single submitter. Criteria: ACMG Guidelines 2015 PMID 25741868. Collection method: clinical testing. Allele origin: germline. Observed: 1 variant allele.

Labcorp Genetics (formerly Invitae), Labcorp
Classification: Uncertain significance for Fanconi anemia complementation group O. Last evaluated: 2026-01-27. Review status: criteria provided, single submitter. Criteria: Invitae Variant Classification Sherloc (09022015). Collection method: clinical testing. Allele origin: germline.
Comment: This sequence change replaces phenylalanine, which is neutral and non-polar, with leucine, which is neutral and non-polar, at codon 164 of the RAD51C protein (p.Phe164Leu). This variant is present in population databases (rs573992101, gnomAD 0.02%). This missense change has been observed in individual(s) with breast cancer and/or ovarian cancer (PMID: 28528518, 35534704). ClinVar contains an entry for this variant (Variation ID: 188317). Invitae Evidence Modeling of protein sequence and biophysical properties (such as structural, functional, and spatial information, amino acid conservation, physicochemical variation, residue mobility, and thermodynamic stability) indicates that this missense variant is not expected to disrupt RAD51C protein function with a negative predictive value of 80%. In summary, the available evidence is currently insufficient to determine the role of this variant in disease. Therefore, it has been classified as a Variant of Uncertain Significance.

Women's Health and Genetics/Laboratory Corporation of America, LabCorp
Classification: Likely benign. Last evaluated: 2025-09-29. Review status: criteria provided, single submitter. Criteria: LabCorp Variant Classification Summary - May 2015. Collection method: clinical testing. Allele origin: germline.
Comment: Variant summary: RAD51C c.492T>G (p.Phe164Leu) results in a non-conservative amino acid change in the encoded protein sequence. Algorithms developed to predict the effect of missense changes on protein structure and function are either unavailable or do not agree on the potential impact of this missense change. The variant allele was found at a frequency of 2e-05 in 1614210 control chromosomes, predominantly at a frequency of 0.0004 within the Latino subpopulation in the gnomAD database. The observed variant frequency within Latino control individuals in the gnomAD database exceeds the estimated maximal expected allele frequency for disease-causing variants in RAD51C. c.492T>G has been observed in individual(s) affected with clinical features of RAD51C-related conditions (e.g. Cock-Rada_2018, Martin-Morales_2018, Weitzel_2019, Oliver_2019) without strong evidence for causality. These report(s) do not provide unequivocal conclusions about association of the variant with Hereditary Breast And Ovarian Cancer Syndrome. At least one publication reports experimental evidence evaluating an impact on protein function, however, does not allow convincing conclusions about the variant effect (Olvera-Leon_2024). The following publications have been ascertained in the context of this evaluation (PMID: 28528518, 33471991, 30256826, 31921681, 31206626, 37842866, 31658756, 37450374, 40209283, 35534704, 34923718, 39299233). ClinVar contains an entry for this variant (Variation ID: 188317). Based on the evidence outlined above, the variant was classified as likely benign.

Center for Genomic Medicine, Rigshospitalet, Copenhagen University Hospital
Classification: Uncertain significance. Last evaluated: 2025-03-04. Review status: criteria provided, single submitter. Criteria: ACMG Guidelines, 2015. Collection method: clinical testing. Allele origin: germline.

Molecular Diagnostics Laboratory, Catalan Institute of Oncology
Classification: Uncertain significance for Hereditary cancer-predisposing syndrome. Last evaluated: 2025-01-29. Review status: criteria provided, single submitter. Criteria: ACMG Guidelines, 2015. Collection method: clinical testing. Allele origin: germline.
Comment: c.492T>G, located in exon 3 of the RAD51C gene, is predicted to result in the substitution of phenilalanine by leucine at codon 164, p.(Phe164Leu). This variant is found in 10/268291 alleles at a frequency of 0.003% in the gnomAD v2.1.1 database, non-cancer dataset. The SpliceAI algorithm predicts no significant impact on splicing and the REVEL meta-predictor score (0.575) for this variant is indeterminate regarding the effect that it may have on protein function according to Pejaver 2022 thresholds (PMID: 36413997). To our knowledge, neither relevant clinical data nor well-established functional studies have been reported for this variant. This variant has been reported in hereditary cancer-suspected patients (PMID: 31921681, 30256826, 28528518) and has been assessed in case-control studies, where it has been found in both cases and controls, irrespective of the disease (PMID: 33471991, 31206626). This variant has been reported in the ClinVar database (1x likely benign, 13x uncertain significance) and has not been classified d in LOVD. Based on currently available information, the variant c.492T>G should be considered an uncertain significance variant according to ACMG/AMP classification guidelines.

Color Diagnostics, LLC DBA Color Health
Classification: Uncertain significance for Hereditary cancer-predisposing syndrome. Last evaluated: 2025-01-07. Review status: criteria provided, single submitter. Criteria: ACMG Guidelines, 2015. Collection method: clinical testing. Allele origin: germline.
Comment: This missense variant replaces phenylalanine with leucine at codon 164 of the RAD51C protein. Computational prediction is inconclusive regarding the impact of this variant on protein structure and function. To our knowledge, functional studies have not been reported for this variant. This variant has been reported in individuals affected with breast and/or ovarian cancer, and one of them carried a pathogenic BRCA1 variant (PMID: 28528518; Vazquez-Juarez et al, poster P3-07-07, SABCS 2021). In an international breast cancer case-control meta-analysis, this variant was detected in 2/60466 cases and 3/53461 unaffected controls (PMID: 33471991). This variant has been identified in 10/251476 chromosomes in the general population by the Genome Aggregation Database (gnomAD). The available evidence is insufficient to determine the role of this variant in disease conclusively. Therefore, this variant is classified as a Variant of Uncertain Significance.

NM_058216.3(RAD51C):c.492T>G (p.Phe164Leu)

Gene: RAD51C (RAD51 paralog C; plus strand). Cytogenetic location: 17q22.
Variant type: single nucleotide variant.
Coding change: c.492T>G on transcript NM_058216.3 (MANE Select); coding-DNA position 492, T replaced by G.
Protein change: p.Phe164Leu; replaces phenylalanine 164 with leucine.
Molecular consequence: missense variant.
Genome position (GRCh38, 1-based): chr17:58,696,780, T>G. VCF-style: chr17-58696780-T-G. GRCh37 (hg19) VCF-style: chr17-56774141-T-G.
Other names: c.492T>G (LRG_314t1); short protein forms F164L.
Identifiers: ClinVar variation 188317 (VCV000188317.48), dbSNP rs573992101, ClinGen allele CA334598.
Genomic context (GRCh38, chr17:58,696,780, plus strand): 5'-ACCAGAATGTTTTGGAGGAGTGGCAGGTGAAGCAGTTTTTATTGATACAGAGGGAAGTTT[T>G]ATGGTTGATAGAGTGGTAGACCTTGCTACTGCCTGCATTCAGCACCTTCAGCTTATAGCA-3'
Protein context (NP_478123.1, residues 154-174): EAVFIDTEGS[Phe164Leu]MVDRVVDLAT